The following is an entry in ClinVar:

ClinVar aggregate classification (germline): Uncertain significance. Review status: criteria provided, multiple submitters, no conflicts (2 of 4 stars). 3 submissions from 3 submitters: Uncertain significance (3). Last evaluated 2025-08-11.

Conditions:
Neurofibromatosis, type 1 (NF1). Also called: Neurofibromatosis, type I; Peripheral type neurofibromatosis; VON RECKLINGHAUSEN DISEASE; NEUROFIBROMATOSIS, TYPE I, SOMATIC. Identifiers: Orphanet 636, MedGen C0027831, MONDO:0018975, OMIM 162200. Disease mechanism: loss of function.
Hereditary cancer-predisposing syndrome. Also called: Neoplastic Syndromes, Hereditary; Hereditary Cancer Syndrome; Hereditary neoplastic syndrome; Tumor predisposition. Identifiers: Orphanet 140162, MedGen C0027672, MeSH D009386, MONDO:0015356.
Cardiovascular phenotype. Identifiers: MedGen CN230736.

Submissions (3):

Labcorp Genetics (formerly Invitae), Labcorp
Classification: Uncertain significance for Neurofibromatosis, type 1. Last evaluated: 2025-08-11. Review status: criteria provided, single submitter. Criteria: Invitae Variant Classification Sherloc (09022015). Collection method: clinical testing. Allele origin: germline.
Comment: This sequence change replaces methionine, which is neutral and non-polar, with leucine, which is neutral and non-polar, at codon 1180 of the NF1 protein (p.Met1180Leu). This variant is not present in population databases (gnomAD no frequency). This variant has not been reported in the literature in individuals affected with NF1-related conditions. ClinVar contains an entry for this variant (Variation ID: 823902). Invitae Evidence Modeling of protein sequence and biophysical properties (such as structural, functional, and spatial information, amino acid conservation, physicochemical variation, residue mobility, and thermodynamic stability) indicates that this missense variant is not expected to disrupt NF1 protein function with a negative predictive value of 95%. In summary, the available evidence is currently insufficient to determine the role of this variant in disease. Therefore, it has been classified as a Variant of Uncertain Significance.

Ambry Genetics
Classification: Uncertain significance for Cardiovascular phenotype; Hereditary cancer-predisposing syndrome. Last evaluated: 2024-11-25. Review status: criteria provided, single submitter. Criteria: Ambry Variant Classification Scheme 2023. Collection method: clinical testing. Allele origin: germline.
Comment: The p.M1180L variant (also known as c.3538A>T), located in coding exon 27 of the NF1 gene, results from an A to T substitution at nucleotide position 3538. The methionine at codon 1180 is replaced by leucine, an amino acid with highly similar properties. This amino acid position is highly conserved in available vertebrate species. In addition, the in silico prediction for this alteration is inconclusive. Since supporting evidence is limited at this time, the clinical significance of this alteration remains unclear.

Genome-Nilou Lab
Classification: Uncertain significance for Neurofibromatosis, type 1. Last evaluated: 2022-03-15. Review status: criteria provided, single submitter. Criteria: ACMG Guidelines, 2015. Collection method: clinical testing. Allele origin: germline. Affected: no.

NM_001042492.3(NF1):c.3538A>T (p.Met1180Leu)

Gene: NF1 (neurofibromin 1; plus strand). Cytogenetic location: 17q11.2.
Variant type: single nucleotide variant.
Coding change: c.3538A>T on transcript NM_001042492.3 (MANE Select); coding-DNA position 3538, A replaced by T.
Protein change: p.Met1180Leu; replaces methionine 1180 with leucine.
Molecular consequence: missense variant.
Genome position (GRCh38, 1-based): chr17:31,233,043, A>T. VCF-style: chr17-31233043-A-T. GRCh37 (hg19) VCF-style: chr17-29560061-A-T.
Other names: c.3538A>T, p.Met1180Leu (NM_000267.4); short protein forms M1180L.
Identifiers: ClinVar variation 823902 (VCV000823902.13), dbSNP rs786203658, ClinGen allele CA398989909.